The following is an entry in ClinVar:

ClinVar aggregate classification (germline): Pathogenic. Review status: criteria provided, multiple submitters, no conflicts (2 of 4 stars). 2 submissions from 2 submitters: Pathogenic (2). Last evaluated 2025-04-07.

Conditions:
Trimethylaminuria (TMAU). Also called: FISH-ODOR SYNDROME; Fish malodor syndrome; Stale fish syndrome; TMAuria; Primary Trimethylaminuria. Identifiers: MedGen C0342739, MONDO:0011182, OMIM 602079, HP:0003614. Disease mechanism: loss of function.

Allele frequency attached by ClinVar (database versions not stated): gnomAD exomes below 0.00001.

Submissions (2):

Myriad Genetics, Inc.
Classification: Pathogenic for Trimethylaminuria. Last evaluated: 2025-04-07. Review status: criteria provided, single submitter. Criteria: Myriad Autosomal Dominant, Autosomal Recessive and X-Linked Classification Criteria (2023). Collection method: clinical testing. Allele origin: unknown.
Comment: NM_001002294.2(FMO3):c.625C>T(Q209*) is expected to be pathogenic in the context of primary trimethylaminuria. This variant is predicted to lead to an abnormal or absent protein product due to the creation of a premature termination codon in FMO3, a gene where loss-of-function variants are known to be pathogenic. Please note: this variant was assessed in the context of healthy population screening.

Labcorp Genetics (formerly Invitae), Labcorp
Classification: Pathogenic. Last evaluated: 2023-11-09. Review status: criteria provided, single submitter. Criteria: Invitae Variant Classification Sherloc (09022015). Collection method: clinical testing. Allele origin: germline.
Comment: This sequence change creates a premature translational stop signal (p.Gln209*) in the FMO3 gene. It is expected to result in an absent or disrupted protein product. Loss-of-function variants in FMO3 are known to be pathogenic (PMID: 20301282). This variant is not present in population databases (gnomAD no frequency). This variant has not been reported in the literature in individuals affected with FMO3-related conditions. Algorithms developed to predict the effect of sequence changes on RNA splicing suggest that this variant may disrupt the consensus splice site. For these reasons, this variant has been classified as Pathogenic.

Literature cited by the submitters: PubMed 20301282 (cited by Labcorp Genetics (formerly Invitae), Labcorp).

NM_001002294.3(FMO3):c.625C>T (p.Gln209Ter)

Genes: FMO3 (flavin containing dimethylaniline monoxygenase 3; plus strand), LOC126805916 (BRD4-independent group 4 enhancer GRCh37_chr1:171076844-171078043; plus strand). Cytogenetic location: 1q24.3.
Variant type: single nucleotide variant.
Coding change: c.625C>T on transcript NM_001002294.3 (MANE Select); coding-DNA position 625, C replaced by T.
Protein change: p.Gln209Ter; replaces glutamine 209 with a stop codon.
Molecular consequence: nonsense.
Genome position (GRCh38, 1-based): chr1:171,108,219, C>T. VCF-style: chr1-171108219-C-T. GRCh37 (hg19) VCF-style: chr1-171077360-C-T.
Other names: c.565C>T, p.Gln189Ter (NM_001319173.2); c.436C>T, p.Gln146Ter (NM_001319174.2); c.625C>T, p.Gln209Ter (NM_006894.6); short protein forms Q146*, Q189*, Q209*.
Identifiers: ClinVar variation 2694513 (VCV002694513.4), dbSNP rs2526330524, ClinGen allele CA343185311.